The following is an entry in ClinVar:

ClinVar aggregate classification (germline): Uncertain significance. Review status: criteria provided, multiple submitters, no conflicts (2 of 4 stars). 4 submissions from 4 submitters: Uncertain significance (4). Last evaluated 2025-07-03.

Conditions:
Lethal congenital glycogen storage disease of heart. Also called: PHOSPHORYLASE KINASE DEFICIENCY OF HEART; GLYCOGEN STORAGE DISEASE OF HEART. Identifiers: Orphanet 439854, MedGen C1849813, MONDO:0009867, OMIM 261740.
Hypertrophic cardiomyopathy. Also called: HYPERTROPHIC MYOCARDIOPATHY. Identifiers: Orphanet 217569, MedGen C0007194, MeSH D002312, MONDO:0005045, HP:0001639.

Allele frequency attached by ClinVar (database versions not stated): ExAC 0.00001; gnomAD exomes 0.00001; TOPMed 0.00001.
gnomAD v4.1: 12 of 1,610,904 alleles (0.00074%); highest among the groups gnomAD compares: Non-Finnish European, 0.001%; no homozygotes.

Submissions (4):

GeneDx
Classification: Uncertain significance. Last evaluated: 2025-07-03. Review status: criteria provided, single submitter. Criteria: GeneDx Variant Classification Process June 2021. Collection method: clinical testing. Allele origin: germline. Affected: yes.
Comment: Not observed at significant frequency in large population cohorts (gnomAD); In silico analysis supports that this missense variant has a deleterious effect on protein structure/function; Has not been previously published as pathogenic or benign to our knowledge

All of Us Research Program, National Institutes of Health
Classification: Uncertain significance for Hypertrophic cardiomyopathy. Last evaluated: 2023-06-26. Review status: criteria provided, single submitter. Criteria: ACMG Guidelines, 2015. Collection method: clinical testing. Allele origin: germline. Inheritance: Autosomal dominant inheritance. Observed: 1 variant allele, 1 heterozygote.
Comment: This missense variant replaces asparagine with serine at codon 299 of the PRKAG2 protein. Computational prediction is inconclusive regarding the impact of this variant on protein structure and function (internally defined REVEL score threshold 0.5 < inconclusive < 0.7, PMID: 27666373). To our knowledge, functional studies have not been reported for this variant. This variant has not been reported in individuals affected with PRKAG2-related disorders in the literature. This variant has been identified in 1/251148 chromosomes in the general population by the Genome Aggregation Database (gnomAD). The available evidence is insufficient to determine the role of this variant in disease conclusively. Therefore, this variant is classified as a Variant of Uncertain Significance.

This study involves interpretation of variants in research participants for the purpose of population health screening. Participant phenotype was not available at the time of variant classification. Additional details can be found in publication PMID: 35346344, PMCID: PMC8962531

Labcorp Genetics (formerly Invitae), Labcorp
Classification: Uncertain significance for Lethal congenital glycogen storage disease of heart. Last evaluated: 2022-01-26. Review status: criteria provided, single submitter. Criteria: Invitae Variant Classification Sherloc (09022015). Collection method: clinical testing. Allele origin: germline.
Comment: This sequence change replaces asparagine, which is neutral and polar, with serine, which is neutral and polar, at codon 299 of the PRKAG2 protein (p.Asn299Ser). This variant is present in population databases (rs764040041, gnomAD 0.0009%). This variant has not been reported in the literature in individuals affected with PRKAG2-related conditions. Advanced modeling of protein sequence and biophysical properties (such as structural, functional, and spatial information, amino acid conservation, physicochemical variation, residue mobility, and thermodynamic stability) performed at Invitae indicates that this missense variant is expected to disrupt PRKAG2 protein function. In summary, the available evidence is currently insufficient to determine the role of this variant in disease. Therefore, it has been classified as a Variant of Uncertain Significance.

Blueprint Genetics
Classification: Uncertain significance. Last evaluated: 2021-09-22. Review status: criteria provided, single submitter. Criteria: ACMG Guidelines, 2015. Collection method: clinical testing. Allele origin: germline.

NM_016203.4(PRKAG2):c.896A>G (p.Asn299Ser)

Gene: PRKAG2 (protein kinase AMP-activated non-catalytic subunit gamma 2; minus strand). Cytogenetic location: 7q36.1.
Variant type: single nucleotide variant.
Coding change: c.896A>G on transcript NM_016203.4 (MANE Select); coding-DNA position 896, A replaced by G.
Protein change: p.Asn299Ser; replaces asparagine 299 with serine.
Molecular consequence: missense variant.
Genome position (GRCh38, 1-based): chr7:151,576,421, T>C on the plus strand (A>G on the coding strand, the complement: PRKAG2 is on the minus strand). VCF-style: chr7-151576421-T-C. GRCh37 (hg19) VCF-style: chr7-151273507-T-C.
Other names: c.896A>G (NM_016203.3); c.764A>G, p.Asn255Ser (NM_001040633.2, NM_001407024.1); c.521A>G, p.Asn174Ser (NM_001304527.2, NM_001407029.1); c.173A>G, p.Asn58Ser (NM_001304531.2, NM_001407034.1, NM_001407035.1 and 1 more transcripts); c.524A>G, p.Asn175Ser (NM_001363698.2, NM_001407028.1); c.896A>G, p.Asn299Ser (NM_001407021.1); c.893A>G, p.Asn298Ser (NM_001407022.1, NM_001407023.1); c.761A>G, p.Asn254Ser (NM_001407026.1, NM_001407027.1); and 7 more; short protein forms N193S, N255S, N78S, N174S, N202S, N203S, N254S, N58S.
Identifiers: ClinVar variation 2172257 (VCV002172257.4), dbSNP rs764040041, ClinGen allele CA058654.